The following is an entry in ClinVar:

NM_001276270.2(MBD4):c.242A>T (p.Glu81Val)

Gene: MBD4 (methyl-CpG binding domain 4, DNA glycosylase; minus strand). Cytogenetic location: 3q21.3.
Variant type: single nucleotide variant.
Coding change: c.242A>T on transcript NM_001276270.2 (MANE Select); coding-DNA position 242, A replaced by T.
Protein change: p.Glu81Val; replaces glutamic acid 81 with valine.
Molecular consequence: missense variant.
Genome position (GRCh38, 1-based): chr3:129,437,813, T>A on the plus strand (A>T on the coding strand, the complement: MBD4 is on the minus strand). VCF-style: chr3-129437813-T-A. GRCh37 (hg19) VCF-style: chr3-129156656-T-A.
Other names: c.242A>T, p.Glu81Val (NM_001276271.2, NM_001276272.2, NM_001276273.2 and 1 more transcripts); short protein forms E81V.
Identifiers: ClinVar variation 3543783 (VCV003543783.1).

ClinVar aggregate classification (germline): Uncertain significance (1 of 4 stars; one submission).

Conditions:
Inborn genetic diseases. Identifiers: MedGen C0950123, MeSH D030342.

Submission:

Ambry Genetics
Classification: Uncertain significance for Inborn genetic diseases. Last evaluated: 2024-11-28. Review status: criteria provided, single submitter. Criteria: Ambry Variant Classification Scheme 2023. Collection method: clinical testing. Allele origin: germline.
Comment: The p.E81V variant (also known as c.242A>T), located in coding exon 2 of the MBD4 gene, results from an A to T substitution at nucleotide position 242. The glutamic acid at codon 81 is replaced by valine, an amino acid with dissimilar properties. This amino acid position is conserved. In addition, the in silico prediction for this alteration is inconclusive. Based on the available evidence, the clinical significance of this variant remains unclear.